The following is an entry in ClinVar:

NM_001684.5(ATP2B4):c.552T>G (p.Ile184Met)

Gene: ATP2B4 (ATPase plasma membrane Ca2+ transporting 4; plus strand). Cytogenetic location: 1q32.1.
Variant type: single nucleotide variant.
Coding change: c.552T>G on transcript NM_001684.5 (MANE Select); coding-DNA position 552, T replaced by G.
Protein change: p.Ile184Met; replaces isoleucine 184 with methionine.
Molecular consequence: missense variant.
Genome position (GRCh38, 1-based): chr1:203,699,620, T>G. VCF-style: chr1-203699620-T-G. GRCh37 (hg19) VCF-style: chr1-203668748-T-G.
Other names: c.552T>G, p.Ile184Met (NM_001001396.3, NM_001365783.2, NM_001365784.2); short protein forms I184M.
Identifiers: ClinVar variation 2719758 (VCV002719758.3), dbSNP rs2545372680, ClinGen allele CA344307680.
Genomic context (GRCh38, chr1:203,699,620, plus strand): 5'-AGTGACTGCCTTTAATGATTGGAGCAAAGAGAAGCAATTCCGGGGGCTGCAGTGCCGCAT[T>G]GAACAGGAGCAAAAGTTCTCCATCATCCGAAACGGTCAACTCATCCAGCTCCCTGTGGCT-3'
Protein context (NP_001675.3, residues 174-194): EKQFRGLQCR[Ile184Met]EQEQKFSIIR

ClinVar aggregate classification (germline): Uncertain significance (1 of 4 stars; one submission).

Allele frequency attached by ClinVar (database versions not stated): gnomAD exomes below 0.00001.
gnomAD v4.1: 1 of 1,614,160 alleles (0.000062%); highest among the groups gnomAD compares: Non-Finnish European, 0.000085%; no homozygotes.

Submission:

Labcorp Genetics (formerly Invitae), Labcorp
Classification: Uncertain significance. Last evaluated: 2024-10-23. Review status: criteria provided, single submitter. Criteria: Invitae Variant Classification Sherloc (09022015). Collection method: clinical testing. Allele origin: germline.
Comment: This sequence change replaces isoleucine, which is neutral and non-polar, with methionine, which is neutral and non-polar, at codon 184 of the ATP2B4 protein (p.Ile184Met). This variant is not present in population databases (gnomAD no frequency). This variant has not been reported in the literature in individuals affected with ATP2B4-related conditions. Invitae Evidence Modeling of protein sequence and biophysical properties (such as structural, functional, and spatial information, amino acid conservation, physicochemical variation, residue mobility, and thermodynamic stability) indicates that this missense variant is expected to disrupt ATP2B4 protein function with a positive predictive value of 80%. In summary, the available evidence is currently insufficient to determine the role of this variant in disease. Therefore, it has been classified as a Variant of Uncertain Significance.